The following is an entry in ClinVar:

NM_000038.6(APC):c.2031C>T (p.Val677=)

Gene: APC (APC regulator of Wnt signaling pathway; plus strand). Cytogenetic location: 5q22.2.
Variant type: single nucleotide variant.
Coding change: c.2031C>T on transcript NM_000038.6 (MANE Select); coding-DNA position 2031, C replaced by T.
Protein change: p.Val677=; no amino-acid change (valine 677 retained).
Molecular consequence: synonymous variant.
Genome position (GRCh38, 1-based): chr5:112,837,625, C>T. VCF-style: chr5-112837625-C-T. GRCh37 (hg19) VCF-style: chr5-112173322-C-T.
Other names: c.2031C>T, p.Val677= (NM_001127510.3, NM_001354895.2); c.1977C>T, p.Val659= (NM_001127511.3); c.2085C>T, p.Val695= (NM_001354896.2); c.2061C>T, p.Val687= (NM_001354897.2); c.1956C>T, p.Val652= (NM_001354898.2); c.1947C>T, p.Val649= (NM_001354899.2); c.1908C>T, p.Val636= (NM_001354900.2); c.1854C>T, p.Val618= (NM_001354901.2); and 5 more.
Identifiers: ClinVar variation 236569 (VCV000236569.25), dbSNP rs769363082, ClinGen allele CA030633.

ClinVar aggregate classification (germline): Benign/Likely benign. Review status: criteria provided, multiple submitters, no conflicts (2 of 4 stars). 11 submissions from 11 submitters: Benign (3); Likely benign (8). Last evaluated 2026-01-18.

Conditions:
Classic or attenuated familial adenomatous polyposis. Identifiers: MedGen CN372698, MONDO:0021057.
Hereditary cancer-predisposing syndrome. Also called: Neoplastic Syndromes, Hereditary; Hereditary Cancer Syndrome; Tumor predisposition; Hereditary neoplastic syndrome. Identifiers: Orphanet 140162, MedGen C0027672, MeSH D009386, MONDO:0015356.
Familial adenomatous polyposis 1 (FAP1). Also called: FAMILIAL ADENOMATOUS POLYPOSIS 1, ATTENUATED; POLYPOSIS, ADENOMATOUS INTESTINAL. Identifiers: MedGen C2713442, MONDO:0021056, OMIM 175100. Disease mechanism: loss of function.

gnomAD v4.1: 4 of 1,612,816 alleles (0.00025%); highest among the groups gnomAD compares: East Asian, 0.0022%; no homozygotes.

Submissions (11):

Labcorp Genetics (formerly Invitae), Labcorp
Classification: Benign for Familial adenomatous polyposis 1. Last evaluated: 2026-01-18. Review status: criteria provided, single submitter. Criteria: Invitae Variant Classification Sherloc (09022015). Collection method: clinical testing. Allele origin: germline.

Quest Diagnostics Nichols Institute San Juan Capistrano
Classification: Likely benign. Last evaluated: 2025-07-15. Review status: criteria provided, single submitter. Criteria: Quest Diagnostics criteria. Collection method: clinical testing. Allele origin: unknown.

Myriad Genetics, Inc.
Classification: Benign for Familial adenomatous polyposis 1. Last evaluated: 2024-03-08. Review status: criteria provided, single submitter. Criteria: Myriad Autosomal Dominant, Autosomal Recessive and X-Linked Classification Criteria (2023). Collection method: clinical testing. Allele origin: unknown.
Comment: This variant is considered benign. This variant is a silent/synonymous amino acid change and it is not expected to impact splicing.

All of Us Research Program, National Institutes of Health
Classification: Likely benign for Classic or attenuated familial adenomatous polyposis. Last evaluated: 2023-12-13. Review status: criteria provided, single submitter. Criteria: ACMG Guidelines, 2015. Collection method: clinical testing. Allele origin: germline. Inheritance: Autosomal dominant inheritance. Observed: 8 variant alleles, 8 heterozygotes.
Comment: This study involves interpretation of variants in research participants for the purpose of population health screening. Participant phenotype was not available at the time of variant classification. Additional details can be found in publication PMID: 35346344, PMCID: PMC8962531

KCCC/NGS Laboratory, Kuwait Cancer Control Center
Classification: Likely benign for Familial adenomatous polyposis 1. Last evaluated: 2023-07-07. Review status: criteria provided, single submitter. Criteria: ACMG Guidelines, 2015. Collection method: clinical testing. Allele origin: germline. Affected: yes.

Blueprint Genetics
Classification: Likely benign. Last evaluated: 2022-04-07. Review status: criteria provided, single submitter. Criteria: ACMG Guidelines, 2015. Collection method: clinical testing. Allele origin: germline.

Women's Health and Genetics/Laboratory Corporation of America, LabCorp
Classification: Likely benign. Last evaluated: 2019-08-20. Review status: criteria provided, single submitter. Criteria: LabCorp Variant Classification Summary - May 2015. Collection method: clinical testing. Allele origin: germline.

Color Diagnostics, LLC DBA Color Health
Classification: Likely benign for Hereditary cancer-predisposing syndrome. Last evaluated: 2016-05-03. Review status: criteria provided, single submitter. Criteria: ACMG Guidelines, 2015. Collection method: clinical testing. Allele origin: germline.

Ambry Genetics
Classification: Likely benign for Hereditary cancer-predisposing syndrome. Last evaluated: 2015-07-01. Review status: criteria provided, single submitter. Criteria: Ambry Variant Classification Scheme 2023. Collection method: clinical testing. Allele origin: germline.

GeneDx
Classification: Benign. Last evaluated: 2015-03-03. Review status: criteria provided, single submitter. Criteria: GeneDx Variant Classification Process June 2021. Collection method: clinical testing. Allele origin: germline. Affected: yes.

PreventionGenetics, part of Exact Sciences
Classification: Likely benign. Review status: criteria provided, single submitter. Criteria: ACMG Guidelines, 2015. Collection method: clinical testing. Allele origin: germline.